The following is an entry in ClinVar:

NM_001166108.2(PALLD):c.2824G>A (p.Gly942Arg)

Genes: CBR4 (carbonyl reductase 4; minus strand), PALLD (palladin, cytoskeletal associated protein; plus strand). Cytogenetic location: 4q32.3.
Variant type: single nucleotide variant.
Coding change: c.2824G>A on transcript NM_001166108.2 (MANE Select); coding-DNA position 2824, G replaced by A.
Protein change: p.Gly942Arg; replaces glycine 942 with arginine.
Molecular consequence: missense variant.
Genome position (GRCh38, 1-based): chr4:168,916,001, G>A. VCF-style: chr4-168916001-G-A. GRCh37 (hg19) VCF-style: chr4-169837152-G-A.
Other names: c.1627G>A, p.Gly543Arg (NM_001166109.2); c.1312G>A, p.Gly438Arg (NM_001166110.2); c.652G>A, p.Gly218Arg (NM_001367567.1, NM_001367569.1); c.703G>A, p.Gly235Arg (NM_001367568.1, NM_001367570.1); c.2773G>A, p.Gly925Arg (NM_016081.4); short protein forms G543R, G218R, G235R, G438R, G925R, G942R.
Identifiers: ClinVar variation 3885339 (VCV003885339.1).

ClinVar aggregate classification (germline): Uncertain significance (1 of 4 stars; one submission).

Submission:

Ambry Genetics
Classification: Uncertain significance. Last evaluated: 2025-02-12. Review status: criteria provided, single submitter. Criteria: Ambry Variant Classification Scheme 2023. Collection method: clinical testing. Allele origin: germline.
Comment: The p.G438R variant (also known as c.1312G>A), located in coding exon 7 of the PALLD gene, results from a G to A substitution at nucleotide position 1312. The glycine at codon 438 is replaced by arginine, an amino acid with dissimilar properties. This amino acid position is conserved. In addition, this alteration is predicted to be deleterious by in silico analysis. Based on the available evidence, the clinical significance of this variant remains unclear.